The following is an entry in ClinVar:

ClinVar aggregate classification (germline): Uncertain significance (1 of 4 stars; one submission).

Submission:

Labcorp Genetics (formerly Invitae), Labcorp
Classification: Uncertain significance. Last evaluated: 2025-07-21. Review status: criteria provided, single submitter. Criteria: Invitae Variant Classification Sherloc (09022015). Collection method: clinical testing. Allele origin: germline.
Comment: This sequence change replaces phenylalanine, which is neutral and non-polar, with leucine, which is neutral and non-polar, at codon 143 of the CLCN7 protein (p.Phe143Leu). This variant is not present in population databases (gnomAD no frequency). This variant has not been reported in the literature in individuals affected with CLCN7-related conditions. ClinVar contains an entry for this variant (Variation ID: 2056502). An algorithm developed to predict the effect of missense changes on protein structure and function (PolyPhen-2) suggests that this variant is likely to be tolerated. In summary, the available evidence is currently insufficient to determine the role of this variant in disease. Therefore, it has been classified as a Variant of Uncertain Significance.

NM_001287.6(CLCN7):c.429C>A (p.Phe143Leu)

Gene: CLCN7 (Cl-/H+ antiporter 7; minus strand). Cytogenetic location: 16p13.3.
Variant type: single nucleotide variant.
Coding change: c.429C>A on transcript NM_001287.6 (MANE Select); coding-DNA position 429, C replaced by A.
Protein change: p.Phe143Leu; replaces phenylalanine 143 with leucine.
Molecular consequence: missense variant.
Genome position (GRCh38, 1-based): chr16:1,460,871, G>T on the plus strand (C>A on the coding strand, the complement: CLCN7 is on the minus strand). VCF-style: chr16-1460871-G-T. GRCh37 (hg19) VCF-style: chr16-1510872-G-T.
Other names: c.357C>A, p.Phe119Leu (NM_001114331.3); short protein forms F119L, F143L.
Identifiers: ClinVar variation 2056502 (VCV002056502.4), dbSNP rs535022444, ClinGen allele CA394192512.
Genomic context (GRCh38, chr16:1,460,871, plus strand): 5'-GATACTGCCCTTGATGACCCTGTACTTGAGGCCAGCCAGGTTTTCCACCACGATGTCAAT[G>T]AAGCAGGCCACGAGGCCCGTGAGGATCCCAATGAGGGCGCAGATGACCCAGCGCTTGATC-3'
Protein context (NP_001278.1, residues 133-153): IGILTGLVAC[Phe143Leu]IDIVVENLAG